The following is an entry in ClinVar:

ClinVar aggregate classification (germline): Likely benign (1 of 4 stars; one submission).

Allele frequency attached by ClinVar (database versions not stated): ESP Exome Variant Server 0.00008.

Submission:

CeGaT Center for Human Genetics Tuebingen
Classification: Likely benign. Last evaluated: 2023-03-01. Review status: criteria provided, single submitter. Criteria: CeGaT Center For Human Genetics Tuebingen Variant Classification Criteria Version 2. Collection method: clinical testing. Allele origin: germline. Affected: yes. Observed: 1 variant allele.
Comment: ZNF829: PM2:Supporting, BP4, BP7

NM_001037232.4(ZNF829):c.1140T>C (p.Tyr380=)

Genes: ZNF345 (zinc finger protein 345; plus strand), ZNF829 (zinc finger protein 829; minus strand), LOC126862899 (P300/CBP strongly-dependent group 1 enhancer GRCh37_chr19:37382329-37383528; plus strand). Cytogenetic location: 19q13.12.
Variant type: single nucleotide variant.
Coding change: c.1140T>C on transcript NM_001037232.4 (MANE Select); coding-DNA position 1140, T replaced by C.
Protein change: p.Tyr380=; no amino-acid change (tyrosine 380 retained).
Molecular consequence: synonymous variant.
Genome position (GRCh38, 1-based): chr19:36,891,651, A>G on the plus strand (T>C on the coding strand, the complement: ZNF829 is on the minus strand). VCF-style: chr19-36891651-A-G. GRCh37 (hg19) VCF-style: chr19-37382553-A-G.
Other names: c.1383T>C, p.Tyr461= (NM_001171979.2).
Identifiers: ClinVar variation 2649766 (VCV002649766.24), dbSNP rs374436128, ClinGen allele CA307924291.